The following is an entry in ClinVar:

ClinVar aggregate classification (germline): Uncertain significance (1 of 4 stars; one submission).

gnomAD v4.1: 5 of 1,199,922 alleles (0.00042%); highest among the groups gnomAD compares: East Asian, 0.003%; no homozygotes.

Submission:

Labcorp Genetics (formerly Invitae), Labcorp
Classification: Uncertain significance. Last evaluated: 2025-01-06. Review status: criteria provided, single submitter. Criteria: Invitae Variant Classification Sherloc (09022015). Collection method: clinical testing. Allele origin: germline.
Comment: This sequence change replaces asparagine, which is neutral and polar, with serine, which is neutral and polar, at codon 1395 of the USP9X protein (p.Asn1395Ser). This variant is present in population databases (no rsID available, gnomAD 0.008%). This variant has not been reported in the literature in individuals affected with USP9X-related conditions. An algorithm developed to predict the effect of missense changes on protein structure and function (PolyPhen-2) suggests that this variant is likely to be tolerated. In summary, the available evidence is currently insufficient to determine the role of this variant in disease. Therefore, it has been classified as a Variant of Uncertain Significance.

NM_001039591.3(USP9X):c.4184A>G (p.Asn1395Ser)

Gene: USP9X (ubiquitin specific peptidase 9 X-linked; plus strand). Cytogenetic location: Xp11.4.
Variant type: single nucleotide variant.
Coding change: c.4184A>G on transcript NM_001039591.3 (MANE Select); coding-DNA position 4184, A replaced by G.
Protein change: p.Asn1395Ser; replaces asparagine 1395 with serine.
Molecular consequence: missense variant.
Genome position (GRCh38, 1-based): chrX:41,196,689, A>G. VCF-style: chrX-41196689-A-G. GRCh37 (hg19) VCF-style: chrX-41055942-A-G.
Other names: c.4184A>G, p.Asn1395Ser (NM_001039590.3); c.4199A>G, p.Asn1400Ser (NM_001410748.1, NM_001410749.1); short protein forms N1395S, N1400S.
Identifiers: ClinVar variation 3661087 (VCV003661087.2).